The following is an entry in ClinVar:

ClinVar aggregate classification (germline): Likely benign (1 of 4 stars; one submission).

Conditions:
HPS3-related disorder. Also called: HPS3-related condition.

Submission:

PreventionGenetics, part of Exact Sciences
Classification: Likely benign for HPS3-related condition. Last evaluated: 2025-06-13. Review status: criteria provided, single submitter. Criteria: ACMG Guidelines, 2015. Collection method: clinical testing. Allele origin: germline.
Comment: This variant is classified as likely benign based on ACMG/AMP sequence variant interpretation guidelines (Richards et al. 2015 PMID: 25741868, with internal and published modifications).

NM_032383.5(HPS3):c.96G>A (p.Ala32=)

Gene: HPS3 (HPS3 biogenesis of lysosomal organelles complex 2 subunit 1; plus strand). Cytogenetic location: 3q24.
Variant type: single nucleotide variant.
Coding change: c.96G>A on transcript NM_032383.5 (MANE Select); coding-DNA position 96, G replaced by A.
Protein change: p.Ala32=; no amino-acid change (alanine 32 retained).
Molecular consequence: synonymous variant.
Genome position (GRCh38, 1-based): chr3:149,129,819, G>A. VCF-style: chr3-149129819-G-A. GRCh37 (hg19) VCF-style: chr3-148847606-G-A.
Other names: c.96G>A, p.Ala32= (NM_001308258.2).
Identifiers: ClinVar variation 4989435 (VCV004989435.1).
Genomic context (GRCh38, chr3:149,129,819, plus strand): 5'-GCAGCAGGTGGTGCCCTGCAAGCTGGAGCCGGACCGGTTCTGTGGCGGGGGGCGTGACGC[G>A]CTTTTCGTGGCGGCGGGCTGCAAGGTGGAGGCGTTCGCGGTGGCCGGCCAGGAGCTGTGC-3'
Protein context (NP_115759.2, residues 22-42): PDRFCGGGRD[Ala32=]LFVAAGCKVE